The following is an entry in ClinVar:

ClinVar aggregate classification (germline): Pathogenic (1 of 4 stars; one submission).

Conditions:
Deficiency of alpha-mannosidase (MANSA). Also called: LYSOSOMAL ALPHA-D-MANNOSIDASE DEFICIENCY; Mannosidosis, alpha-, types I and II; Alpha-Mannosidosis. Identifiers: Orphanet 61, MedGen C0024748, MONDO:0009561, OMIM 248500.

Submission:

Labcorp Genetics (formerly Invitae), Labcorp
Classification: Pathogenic for Deficiency of alpha-mannosidase. Last evaluated: 2023-08-16. Review status: criteria provided, single submitter. Criteria: Invitae Variant Classification Sherloc (09022015). Collection method: clinical testing. Allele origin: germline.
Comment: For these reasons, this variant has been classified as Pathogenic. This variant has not been reported in the literature in individuals affected with MAN2B1-related conditions. This variant is not present in population databases (gnomAD no frequency). This sequence change creates a premature translational stop signal (p.Arg202Leufs*45) in the MAN2B1 gene. It is expected to result in an absent or disrupted protein product. Loss-of-function variants in MAN2B1 are known to be pathogenic (PMID: 9915946, 22161967).

Literature cited by the submitters: PubMed 9915946; PubMed 22161967.

NM_000528.4(MAN2B1):c.603_604dup (p.Arg202fs)

Gene: MAN2B1 (mannosidase alpha class 2B member 1; minus strand). Cytogenetic location: 19p13.13.
Variant type: Microsatellite.
Coding change: c.603_604dup on transcript NM_000528.4 (MANE Select); coding-DNA positions 603 to 604, 2 bases duplicated (TC; older notation c.603_604dupTC).
Protein change: p.Arg202fs; shifts the reading frame from arginine 202.
Molecular consequence: frameshift variant.
Genome position (GRCh38, 1-based): chr19:12,664,818-12,664,819, GA duplicated on the plus strand (TC on the coding strand, the reverse complement: MAN2B1 is on the minus strand); duplicating any 2 consecutive bases within chr19:12,664,818-12,664,822 gives the same sequence; the c. name uses the placement nearest the transcript's 3' end. VCF-style (leftmost placement, unchanged base first): chr19-12664817-C-CGA. GRCh37 (hg19) VCF-style: chr19-12775631-C-CGA.
Other names: c.603_604dup, p.Arg202fs (NM_001173498.2); short protein forms R202fs.
Identifiers: ClinVar variation 2752832 (VCV002752832.3), dbSNP rs2512514455, ClinGen allele CA2697556296.
Genomic context (GRCh38, chr19:12,664,817, plus strand): 5'-GAAGAAGTGGGCCCAAGAGAGGTCCCGGGTCGCACCTGCGCAAACAGCGAGGCCTGCTCC[C>CGA]GAGAGTGGCCGAAGGGGTCAATGTGCCAGGCCACACGGGGTCGCCCATCATTGCCAAATG-3'